The following is an entry in ClinVar:

ClinVar aggregate classification (germline): Conflicting classifications of pathogenicity. Review status: criteria provided, conflicting classifications (1 of 4 stars). 5 submissions from 5 submitters: Uncertain significance (4); Likely benign (1). Last evaluated 2026-06-03.

Conditions:
Hereditary cancer-predisposing syndrome. Also called: Neoplastic Syndromes, Hereditary; Tumor predisposition; Hereditary neoplastic syndrome; Hereditary Cancer Syndrome. Identifiers: Orphanet 140162, MedGen C0027672, MeSH D009386, MONDO:0015356.
CDH1-related disorder. Also called: CDH1-related condition.
Hereditary diffuse gastric adenocarcinoma (HDGC). Also called: DIFFUSE GASTRIC AND LOBULAR BREAST CANCER SYNDROME. Identifiers: Orphanet 26106, MedGen C1708349, MONDO:0007648, OMIM 137215.

Submissions (5):

Ambry Genetics
Classification: Likely benign for Hereditary cancer-predisposing syndrome. Last evaluated: 2026-06-03. Review status: criteria provided, single submitter. Criteria: Ambry Variant Classification Scheme 2023. Collection method: clinical testing. Allele origin: germline.

PreventionGenetics, part of Exact Sciences
Classification: Uncertain significance for CDH1-related condition. Last evaluated: 2025-03-26. Review status: criteria provided, single submitter. Criteria: ACMG Guidelines, 2015. Collection method: clinical testing. Allele origin: germline.
Comment: The CDH1 c.1928A>G variant is predicted to result in the amino acid substitution p.Asn643Ser. To our knowledge, this variant has not been reported in the literature or in a large population database (gnomAD), indicating this variant is rare. This variant is interpreted as uncertain in ClinVar. At this time, the clinical significance of this variant is uncertain due to the absence of conclusive functional and genetic evidence.

Color Diagnostics, LLC DBA Color Health
Classification: Uncertain significance for Hereditary cancer-predisposing syndrome. Last evaluated: 2023-12-05. Review status: criteria provided, single submitter. Criteria: ACMG Guidelines, 2015. Collection method: clinical testing. Allele origin: germline.
Comment: This missense variant replaces asparagine with serine at codon 643 of the CDH1 protein. To our knowledge, functional studies have not been reported for this variant. This variant has not been reported in individuals affected with CDH1-related disorders in the literature. This variant has not been identified in the general population by the Genome Aggregation Database (gnomAD). The available evidence is insufficient to determine the role of this variant in disease conclusively. Therefore, this variant is classified as a Variant of Uncertain Significance.

Labcorp Genetics (formerly Invitae), Labcorp
Classification: Uncertain significance for Hereditary diffuse gastric adenocarcinoma. Last evaluated: 2022-09-27. Review status: criteria provided, single submitter. Criteria: Invitae Variant Classification Sherloc (09022015). Collection method: clinical testing. Allele origin: germline.
Comment: This variant has not been reported in the literature in individuals affected with CDH1-related conditions. This sequence change replaces asparagine, which is neutral and polar, with serine, which is neutral and polar, at codon 643 of the CDH1 protein (p.Asn643Ser). This variant is not present in population databases (gnomAD no frequency). ClinVar contains an entry for this variant (Variation ID: 627691). Algorithms developed to predict the effect of missense changes on protein structure and function output the following: SIFT: "Tolerated"; PolyPhen-2: "Benign"; Align-GVGD: "Class C0". The serine amino acid residue is found in multiple mammalian species, which suggests that this missense change does not adversely affect protein function. In summary, the available evidence is currently insufficient to determine the role of this variant in disease. Therefore, it has been classified as a Variant of Uncertain Significance.

St. Jude Molecular Pathology, St. Jude Children's Research Hospital
Classification: Uncertain significance for Hereditary diffuse gastric adenocarcinoma. Last evaluated: 2021-06-24. Review status: criteria provided, single submitter. Criteria: St. Jude Assertion Criteria 2020. Collection method: clinical testing. Allele origin: germline.
Comment: The CDH1 c.1928A>G (p.Asn643Ser) missense change is absent in gnomAD v2.1.1 (PM2). Six of seven in silico tools predict a benign effect of this variant on protein function, but to our knowledge these predictions have not been confirmed by functional assays. To our knowledge, this variant has not been reported in individuals with hereditary diffuse gastric cancer. In summary, this variant meets criteria to be classified as of uncertain significance based on the ACMG/AMP criteria, as specified by the CDH1 Variant Curation Expert Panel (PMID: 30311375): PM2.

NM_004360.5(CDH1):c.1928A>G (p.Asn643Ser)

Gene: CDH1 (cadherin 1; plus strand). Cytogenetic location: 16q22.1.
Variant type: single nucleotide variant.
Coding change: c.1928A>G on transcript NM_004360.5 (MANE Select); coding-DNA position 1928, A replaced by G.
Protein change: p.Asn643Ser; replaces asparagine 643 with serine.
Molecular consequence: missense variant. On other transcripts: 5 prime UTR variant (1).
Genome position (GRCh38, 1-based): chr16:68,822,217, A>G. VCF-style: chr16-68822217-A-G. GRCh37 (hg19) VCF-style: chr16-68856120-A-G.
Other names: c.1745A>G, p.Asn582Ser (NM_001317184.2); c.380A>G, p.Asn127Ser (NM_001317185.2); c.-38A>G (NM_001317186.2); short protein forms N643S, N127S, N582S.
Identifiers: ClinVar variation 627691 (VCV000627691.20), dbSNP rs1567512606, ClinGen allele CA396467272.
Genomic context (GRCh38, chr16:68,822,217, plus strand): 5'-CATCTCCCTTCACAGCAGAACTAACACACGGGGCGAGTGCCAACTGGACCATTCAGTACA[A>G]CGACCCAAGTGGGTACCTGAGTTTTATTTTGGCAACTTTGCTCCAACTGCCATGCTTCCC-3'
Protein context (NP_004351.1, residues 633-653): GASANWTIQY[Asn643Ser]DPTQESIILK